The following is an entry in ClinVar:

NM_022095.4(ZNF335):c.147_152dup (p.Glu50_Ala51dup)

Gene: ZNF335 (zinc finger protein 335; minus strand). Cytogenetic location: 20q13.12.
Variant type: Duplication.
Coding change: c.147_152dup on transcript NM_022095.4 (MANE Select); coding-DNA positions 147 to 152, 6 bases duplicated (AGAGGC; older notation c.147_152dupAGAGGC).
Protein change: p.Glu50_Ala51dup.
Molecular consequence: inframe insertion.
Genome position (GRCh38, 1-based): chr20:45,971,259-45,971,264, GCCTCT duplicated on the plus strand (AGAGGC on the coding strand, the reverse complement: ZNF335 is on the minus strand); duplicating any 6 consecutive bases within chr20:45,971,259-45,971,268 gives the same sequence; the c. name uses the placement nearest the transcript's 3' end. VCF-style (leftmost placement, unchanged base first): chr20-45971258-G-GGCCTCT. GRCh37 (hg19) VCF-style: chr20-44599897-G-GGCCTCT.
Identifiers: ClinVar variation 437356 (VCV000437356.8), dbSNP rs1555852178, ClinGen allele CA636176667.
Genomic context (GRCh38, chr20:45,971,258, plus strand): 5'-CCGGGTCCATACCTGAGAACGGCTGCCGCGGTCCGAGCTTTGCCCCACGCCAGAGTCATC[G>GGCCTCT]GCCTCTGCCTGCCCCGGGGCGGCCGCGGCGTCGCTGCTGTCGGCGGACACGGCTTCTGAG-3'

ClinVar aggregate classification (germline): Uncertain significance. Review status: criteria provided, multiple submitters, no conflicts (2 of 4 stars). 2 submissions from 2 submitters: Uncertain significance (2). Last evaluated 2022-02-01.

Submissions (2):

GeneDx
Classification: Uncertain significance. Last evaluated: 2022-02-01. Review status: criteria provided, single submitter. Criteria: GeneDx Variant Classification Process June 2021. Collection method: clinical testing. Allele origin: germline. Affected: yes.
Comment: Not observed at significant frequency in large population cohorts (gnomAD); In-frame insertion of 2 amino acids in a non-repeat region; Has not been previously published as pathogenic or benign to our knowledge

Genetic Services Laboratory, University of Chicago
Classification: Uncertain significance. Last evaluated: 2016-07-01. Review status: criteria provided, single submitter. Criteria: ACMG Guidelines, 2015. Collection method: clinical testing. Allele origin: germline. Affected: no.